The following is an entry in ClinVar:

NM_001128178.3(NPHP1):c.1983T>C (p.Leu661=)

Gene: NPHP1 (nephrocystin 1; minus strand). Cytogenetic location: 2q13.
Variant type: single nucleotide variant.
Coding change: c.1983T>C on transcript NM_001128178.3 (MANE Select); coding-DNA position 1983, T replaced by C.
Protein change: p.Leu661=; no amino-acid change (leucine 661 retained).
Molecular consequence: synonymous variant. On other transcripts: 3 prime UTR variant (1).
Genome position (GRCh38, 1-based): chr2:110,123,842, A>G on the plus strand (T>C on the coding strand, the complement: NPHP1 is on the minus strand). VCF-style: chr2-110123842-A-G. GRCh37 (hg19) VCF-style: chr2-110881419-A-G.
Other names: c.2151T>C, p.Leu717= (NM_000272.5); c.1794T>C, p.Leu598= (NM_001128179.3); c.1980T>C, p.Leu660= (NM_001374256.1); c.*225T>C (NM_001374257.1); c.2148T>C, p.Leu716= (NM_207181.4).
Identifiers: ClinVar variation 4999792 (VCV004999792.1).
Genomic context (GRCh38, chr2:110,123,842, plus strand): 5'-CTGCCACTGTCACACTGCATTCTTTCTCATTTCACCCAAGAAGTCATAGGTCTGCTCTGA[A>G]AGGTCAAAAGGTTCATGAACTCCGTCTGGTGACAGCAGAGCTTGGAGGGCGCCCTGGTTT-3'
Protein context (NP_001121650.1, residues 651-671): SPDGVHEPFD[Leu661=]SEQTYDFLGE

ClinVar aggregate classification (germline): Likely benign (1 of 4 stars; one submission).

Conditions:
NPHP1-related disorder. Also called: NPHP1-related condition; NPHP1-related disorders.

gnomAD v4.1: 2 of 1,614,040 alleles (0.00012%); highest among the groups gnomAD compares: South Asian, 0.0022%; no homozygotes.

Submission:

PreventionGenetics, part of Exact Sciences
Classification: Likely benign for NPHP1-related condition. Last evaluated: 2024-11-04. Review status: criteria provided, single submitter. Criteria: ACMG Guidelines, 2015. Collection method: clinical testing. Allele origin: germline.
Comment: This variant is classified as likely benign based on ACMG/AMP sequence variant interpretation guidelines (Richards et al. 2015 PMID: 25741868, with internal and published modifications).